The following is an entry in ClinVar:

NM_001365276.2(TNXB):c.5742G>C (p.Gln1914His)

Gene: TNXB (tenascin XB; minus strand). Cytogenetic location: 6p21.33.
Variant type: single nucleotide variant.
Coding change: c.5742G>C on transcript NM_001365276.2 (MANE Select); coding-DNA position 5742, G replaced by C.
Protein change: p.Gln1914His; replaces glutamine 1914 with histidine.
Molecular consequence: missense variant.
Genome position (GRCh38, 1-based): chr6:32,068,982, C>G on the plus strand (G>C on the coding strand, the complement: TNXB is on the minus strand). VCF-style: chr6-32068982-C-G. GRCh37 (hg19) VCF-style: chr6-32036759-C-G.
Other names: c.6483G>C, p.Gln2161His (NM_001428335.1); c.5742G>C, p.Gln1914His (NM_019105.8); short protein forms Q1914H, Q2161H.
Identifiers: ClinVar variation 3227295 (VCV003227295.1), dbSNP rs2483577245, ClinGen allele CA363407847.
Genomic context (GRCh38, chr6:32,068,982, plus strand): 5'-GATGTCATTCCGGTCACCTCCTATGCGGACCATTTGGAGTTGCCCGTCTCTATCTGTGTA[C>G]TGGATTTCGAAGGAGTCAAATTCTCCCTCAGTCACCATCCAGGAGAGATGCAGGGTGTGT-3'
Protein context (NP_001352205.1, residues 1904-1924): TEGEFDSFEI[Gln1914His]YTDRDGQLQM

ClinVar aggregate classification (germline): Uncertain significance (1 of 4 stars; one submission).

Conditions:
Cardiovascular phenotype. Identifiers: MedGen CN230736.

Submission:

Ambry Genetics
Classification: Uncertain significance for Cardiovascular phenotype. Last evaluated: 2023-11-08. Review status: criteria provided, single submitter. Criteria: Ambry Variant Classification Scheme 2023. Collection method: clinical testing. Allele origin: germline.
Comment: The p.Q1914H variant (also known as c.5742G>C), located in coding exon 15 of the TNXB gene, results from a G to C substitution at nucleotide position 5742. The glutamine at codon 1914 is replaced by histidine, an amino acid with highly similar properties. This amino acid position is conserved. In addition, this alteration is predicted to be tolerated by in silico analysis. Since supporting evidence is limited at this time, the clinical significance of this alteration remains unclear.